The following is an entry in ClinVar:

ClinVar aggregate classification (germline): Uncertain significance (1 of 4 stars; one submission).

Allele frequency attached by ClinVar (database versions not stated): gnomAD exomes below 0.00001.
gnomAD v4.1: 2 of 1,614,122 alleles (0.00012%); highest among the groups gnomAD compares: South Asian, 0.0011%; no homozygotes.

Submission:

Labcorp Genetics (formerly Invitae), Labcorp
Classification: Uncertain significance. Last evaluated: 2021-04-10. Review status: criteria provided, single submitter. Criteria: Invitae Variant Classification Sherloc (09022015). Collection method: clinical testing. Allele origin: germline.
Comment: In summary, the available evidence is currently insufficient to determine the role of this variant in disease. Therefore, it has been classified as a Variant of Uncertain Significance. Algorithms developed to predict the effect of missense changes on protein structure and function are either unavailable or do not agree on the potential impact of this missense change (SIFT: "Not Available"; PolyPhen-2: "Benign"; Align-GVGD: "Not Available"). This variant has not been reported in the literature in individuals with CDH3-related conditions. This variant is not present in population databases (ExAC no frequency). This sequence change replaces isoleucine with valine at codon 114 of the CDH3 protein (p.Ile114Val). The isoleucine residue is highly conserved and there is a small physicochemical difference between isoleucine and valine.

NM_001793.6(CDH3):c.340A>G (p.Ile114Val)

Gene: CDH3 (cadherin 3; plus strand). Cytogenetic location: 16q22.1.
Variant type: single nucleotide variant.
Coding change: c.340A>G on transcript NM_001793.6 (MANE Select); coding-DNA position 340, A replaced by G.
Protein change: p.Ile114Val; replaces isoleucine 114 with valine.
Molecular consequence: missense variant.
Genome position (GRCh38, 1-based): chr16:68,678,227, A>G. VCF-style: chr16-68678227-A-G. GRCh37 (hg19) VCF-style: chr16-68712130-A-G.
Other names: c.340A>G, p.Ile114Val (NM_001317195.3); c.175A>G, p.Ile59Val (NM_001317196.2); short protein forms I114V, I59V.
Identifiers: ClinVar variation 1448638 (VCV001448638.6), dbSNP rs1281111224, ClinGen allele CA396448724.